The following is an entry in ClinVar:

NM_020800.3(IFT80):c.1550C>T (p.Thr517Ile)

Genes: IFT80 (intraflagellar transport 80; minus strand), TRIM59-IFT80 (TRIM59-IFT80 readthrough (NMD candidate); minus strand). Cytogenetic location: 3q25.33.
Variant type: single nucleotide variant.
Coding change: c.1550C>T on transcript NM_020800.3 (MANE Select); coding-DNA position 1550, C replaced by T.
Protein change: p.Thr517Ile; replaces threonine 517 with isoleucine.
Molecular consequence: missense variant. On other transcripts: non-coding transcript variant (3).
Genome position (GRCh38, 1-based): chr3:160,280,781, G>A on the plus strand (C>T on the coding strand, the complement: IFT80 is on the minus strand). VCF-style: chr3-160280781-G-A. GRCh37 (hg19) VCF-style: chr3-159998569-G-A.
Other names: c.1139C>T, p.Thr380Ile (NM_001190241.2, NM_001190242.2); c.1550C>T (NM_020800.2); short protein forms T517I, T380I.
Identifiers: ClinVar variation 1047444 (VCV001047444.9), dbSNP rs1408265295, ClinGen allele CA355191368.

ClinVar aggregate classification (germline): Uncertain significance. Review status: criteria provided, multiple submitters, no conflicts (2 of 4 stars). 2 submissions from 2 submitters: Uncertain significance (2). Last evaluated 2025-06-24.

Conditions:
Inborn genetic diseases. Identifiers: MedGen C0950123, MeSH D030342.
Jeune thoracic dystrophy. Also called: Jeune syndrome; Infantile thoracic dystrophy; Thoracic pelvic phalangeal dystrophy; Jeune's syndrome; Chondroectodermal dysplasia-like syndrome; Short-rib thoracic dysplasia. Identifiers: Orphanet 474, MedGen C0265275, MONDO:0018770.

gnomAD v4.1: 3 of 1,613,192 alleles (0.00019%); highest among the groups gnomAD compares: Non-Finnish European, 0.00017%; no homozygotes.

Submissions (2):

Ambry Genetics
Classification: Uncertain significance for Inborn genetic diseases. Last evaluated: 2025-06-24. Review status: criteria provided, single submitter. Criteria: Ambry Variant Classification Scheme 2023. Collection method: clinical testing. Allele origin: germline.

Labcorp Genetics (formerly Invitae), Labcorp
Classification: Uncertain significance for Jeune thoracic dystrophy. Last evaluated: 2022-09-06. Review status: criteria provided, single submitter. Criteria: Invitae Variant Classification Sherloc (09022015). Collection method: clinical testing. Allele origin: germline.
Comment: This sequence change replaces threonine, which is neutral and polar, with isoleucine, which is neutral and non-polar, at codon 517 of the IFT80 protein (p.Thr517Ile). This variant is not present in population databases (gnomAD no frequency). This variant has not been reported in the literature in individuals affected with IFT80-related conditions. ClinVar contains an entry for this variant (Variation ID: 1047444). Algorithms developed to predict the effect of missense changes on protein structure and function (SIFT, PolyPhen-2, Align-GVGD) all suggest that this variant is likely to be tolerated. In summary, the available evidence is currently insufficient to determine the role of this variant in disease. Therefore, it has been classified as a Variant of Uncertain Significance.